The following is an entry in ClinVar:

NM_213599.3(ANO5):c.108G>T (p.Glu36Asp)

Gene: ANO5 (anoctamin 5; plus strand). Cytogenetic location: 11p14.3.
Variant type: single nucleotide variant.
Coding change: c.108G>T on transcript NM_213599.3 (MANE Select); coding-DNA position 108, G replaced by T.
Protein change: p.Glu36Asp; replaces glutamic acid 36 with aspartic acid.
Molecular consequence: missense variant.
Genome position (GRCh38, 1-based): chr11:22,211,284, G>T. VCF-style: chr11-22211284-G-T. GRCh37 (hg19) VCF-style: chr11-22232830-G-T.
Other names: c.105G>T, p.Glu35Asp (NM_001142649.2); short protein forms E36D, E35D.
Identifiers: ClinVar variation 468830 (VCV000468830.9), dbSNP rs1417289245, ClinGen allele CA379923643.

ClinVar aggregate classification (germline): Uncertain significance (1 of 4 stars; one submission).

Conditions:
Autosomal recessive limb-girdle muscular dystrophy type 2L (LGMDR12). Also called: Limb-Girdle Muscular Dystrophy R12 Anoctamin-5-Related (LGMD-R12); Limb-girdle muscular dystrophy, type 2L; MUSCULAR DYSTROPHY, LIMB-GIRDLE, AUTOSOMAL RECESSIVE 12. Identifiers: Orphanet 206549, MedGen C1969785, MONDO:0012652, OMIM 611307.
Gnathodiaphyseal dysplasia (GDD). Also called: GNATHODIAPHYSEAL SCLEROSIS; OSTEOGENESIS IMPERFECTA WITH UNUSUAL SKELETAL LESIONS. Identifiers: Orphanet 53697, MedGen C1833736, MONDO:0008151, OMIM 166260.

gnomAD v4.1: 2 of 1,612,182 alleles (0.00012%); highest among the groups gnomAD compares: Admixed American, 0.0033%; no homozygotes.

Submission:

Labcorp Genetics (formerly Invitae), Labcorp
Classification: Uncertain significance for Autosomal recessive limb-girdle muscular dystrophy type 2L; Gnathodiaphyseal dysplasia. Last evaluated: 2022-09-14. Review status: criteria provided, single submitter. Criteria: Invitae Variant Classification Sherloc (09022015). Collection method: clinical testing. Allele origin: germline.
Comment: Advanced modeling of protein sequence and biophysical properties (such as structural, functional, and spatial information, amino acid conservation, physicochemical variation, residue mobility, and thermodynamic stability) performed at Invitae indicates that this missense variant is not expected to disrupt ANO5 protein function. In summary, the available evidence is currently insufficient to determine the role of this variant in disease. Therefore, it has been classified as a Variant of Uncertain Significance. ClinVar contains an entry for this variant (Variation ID: 468830). This variant has not been reported in the literature in individuals affected with ANO5-related conditions. This variant is not present in population databases (gnomAD no frequency). This sequence change replaces glutamic acid, which is acidic and polar, with aspartic acid, which is acidic and polar, at codon 36 of the ANO5 protein (p.Glu36Asp).